The following is an entry in ClinVar:

NM_018677.4(ACSS2):c.898T>A (p.Cys300Ser)

Gene: ACSS2 (acyl-CoA synthetase short chain family member 2; plus strand). Cytogenetic location: 20q11.22.
Variant type: single nucleotide variant.
Coding change: c.898T>A on transcript NM_018677.4 (MANE Select); coding-DNA position 898, T replaced by A.
Protein change: p.Cys300Ser; replaces cysteine 300 with serine.
Molecular consequence: missense variant.
Genome position (GRCh38, 1-based): chr20:34,919,498, T>A. VCF-style: chr20-34919498-T-A. GRCh37 (hg19) VCF-style: chr20-33507301-T-A.
Other names: c.937T>A, p.Cys313Ser (NM_001076552.3); c.613T>A, p.Cys205Ser (NM_001242393.2); short protein forms C205S, C300S, C313S.
Identifiers: ClinVar variation 780604 (VCV000780604.6), dbSNP rs61359113, ClinGen allele CA9825410.
Genomic context (GRCh38, chr20:34,919,498, plus strand): 5'-TCATGGAACCAAGGGATTGACTTGTGGTGGCATGAGCTCATGCAAGAGGCAGGGGATGAG[T>A]GTGAGCCCGAGTGGTGTGATGCCGAGGACCCACTCTTCATCCTGTACACCAGTGGCTCCA-3'
Protein context (NP_061147.1, residues 290-310): HELMQEAGDE[Cys300Ser]EPEWCDAEDP

ClinVar aggregate classification (germline): Benign. Review status: criteria provided, multiple submitters, no conflicts (2 of 4 stars). 3 submissions from 3 submitters: Benign (2). 1 of the submissions does not count toward it. Last evaluated 2018-06-05.

Conditions:
ACSS2-related disorder. Also called: ACSS2-related condition.

Allele frequency attached by ClinVar (database versions not stated): gnomAD exomes 0.00167 and 0.00445; gnomAD 0.01975 and 0.01843; ESP Exome Variant Server 0.02053; TOPMed 0.02059; ExAC 0.00561; 1000 Genomes Project 30x 0.02233; 1000 Genomes Project 0.02057.
gnomAD v4.1: 5,358 of 1,612,348 alleles (0.33%); highest among the groups gnomAD compares: African/African-American, 6.4%; 178 homozygotes.

Submissions (3):

Labcorp Genetics (formerly Invitae), Labcorp
Classification: Benign. Last evaluated: 2018-06-05. Review status: criteria provided, single submitter. Criteria: Invitae Variant Classification Sherloc (09022015). Collection method: clinical testing. Allele origin: germline.

Breakthrough Genomics
Classification: Benign. Review status: criteria provided, single submitter. Criteria: ACMG Guidelines, 2015. Collection method: not provided. Allele origin: germline. Inheritance: Unknown mechanism. Affected: yes.

PreventionGenetics, part of Exact Sciences
Classification: Benign for ACSS2-related condition. Last evaluated: 2019-02-25. Review status: no assertion criteria provided. Collection method: clinical testing. Allele origin: germline. Not counted in ClinVar's aggregate classification.
Comment: This variant is classified as benign based on ACMG/AMP sequence variant interpretation guidelines (Richards et al. 2015 PMID: 25741868, with internal and published modifications).